The following is an entry in ClinVar:

ClinVar aggregate classification (germline): Likely pathogenic (1 of 4 stars; one submission).

Conditions:
Mucopolysaccharidosis, MPS-II (MPS2). Also called: Hunter Syndrome; IDURONATE 2-SULFATASE DEFICIENCY; Mucopolysaccharidosis Type II; Mucopolysaccharidosis type 2; Attenuated MPS (subtype; formerly known as mild MPS II); Severe MPS II. Identifiers: Orphanet 580, Orphanet 79388, MedGen C0026705, MONDO:0010674, OMIM 309900.

Submission:

Laboratory of Diagnosis and Therapy of Lysosomal Disorders, University of Padova
Classification: Likely pathogenic for Mucopolysaccharidosis, MPS-II. Last evaluated: 2024-06-07. Review status: criteria provided, single submitter. Criteria: ACMG Guidelines, 2015. Collection method: literature only. Allele origin: germline. Affected: yes. Observed: 1 variant allele.
Comment: Absent from controls (or at low frequency) in gnomAD database (PM2_Moderate), Missense variant in a gene with a low rate of benign missense variation (PP2_Supporting), Patient’s phenotype or family history highly specific for the disease (PP4_Strong), Multiple lines of computational evidence suggest no impact on gene or gene product (BP4_Supporting)

Classification method: ACMG Guidelines [PMID:25741868] with modifications

Literature cited by the submitters: PubMed 28077157.

NM_000202.8(IDS):c.629A>G (p.Glu210Gly)

Genes: IDS (iduronate 2-sulfatase; minus strand), LOC106050102 (IDS recombination region; plus strand). Cytogenetic location: Xq28.
Variant type: single nucleotide variant.
Coding change: c.629A>G on transcript NM_000202.8 (MANE Select); coding-DNA position 629, A replaced by G.
Protein change: p.Glu210Gly; replaces glutamic acid 210 with glycine.
Molecular consequence: missense variant. On other transcripts: non-coding transcript variant (1).
Genome position (GRCh38, 1-based): chrX:149,498,186, T>C on the plus strand (A>G on the coding strand, the complement: IDS is on the minus strand). VCF-style: chrX-149498186-T-C. GRCh37 (hg19) VCF-style: chrX-148579717-T-C.
Other names: c.359A>G, p.Glu120Gly (NM_001166550.4); c.629A>G, p.Glu210Gly (NM_006123.5); short protein forms E120G, E210G.
Identifiers: ClinVar variation 3255783 (VCV003255783.2).